The following is an entry in ClinVar:

ClinVar aggregate classification (germline): Uncertain significance (1 of 4 stars; one submission).

Submission:

GeneDx
Classification: Uncertain significance. Last evaluated: 2026-08-05. Review status: criteria provided, single submitter. Criteria: GeneDx Variant Classification Process June 2021. Collection method: clinical testing. Allele origin: germline.
Comment: Missense variants in this gene are a common cause of disease and they are underrepresented in the general population; In silico analysis supports that this missense variant has a deleterious effect on protein structure/function; Not observed at significant frequency in large population cohorts (gnomAD); Has not been previously published as pathogenic or benign to our knowledge; This variant is associated with the following publications: (PMID: 29493581, 41959461)

NM_002834.5(PTPN11):c.1436T>C (p.Ile479Thr)

Gene: PTPN11 (protein tyrosine phosphatase non-receptor type 11; plus strand). Cytogenetic location: 12q24.13.
Variant type: single nucleotide variant.
Coding change: c.1436T>C on transcript NM_002834.5 (MANE Select); coding-DNA position 1436, T replaced by C.
Protein change: p.Ile479Thr; replaces isoleucine 479 with threonine.
Molecular consequence: missense variant.
Genome position (GRCh38, 1-based): chr12:112,488,499, T>C. VCF-style: chr12-112488499-T-C. GRCh37 (hg19) VCF-style: chr12-112926303-T-C.
Other names: c.1448T>C, p.Ile483Thr (NM_001330437.2); c.1433T>C, p.Ile478Thr (NM_001374625.1); short protein forms I479T, I483T, I478T.
Identifiers: ClinVar variation 450749 (VCV000450749.6), dbSNP rs1555270590, ClinGen allele CA386778570.